The following is an entry in ClinVar:

NM_005228.5(EGFR):c.415A>T (p.Asn139Tyr)

Gene: EGFR (epidermal growth factor receptor; plus strand). Cytogenetic location: 7p11.2.
Variant type: single nucleotide variant.
Coding change: c.415A>T on transcript NM_005228.5 (MANE Select); coding-DNA position 415, A replaced by T.
Protein change: p.Asn139Tyr; replaces asparagine 139 with tyrosine.
Molecular consequence: missense variant. On other transcripts: intron variant (1).
Genome position (GRCh38, 1-based): chr7:55,143,479, A>T. VCF-style: chr7-55143479-A-T. GRCh37 (hg19) VCF-style: chr7-55211172-A-T.
Other names: c.415A>T, p.Asn139Tyr (NM_001346897.2, NM_001346898.2, NM_001346899.2 and 3 more transcripts); c.256A>T, p.Asn86Tyr (NM_001346900.2); c.89-12351A>T (NM_001346941.2); short protein forms N86Y, N139Y.
Identifiers: ClinVar variation 1987309 (VCV001987309.5), dbSNP rs2128927576, ClinGen allele CA367576018.
Genomic context (GRCh38, chr7:55,143,479, plus strand): 5'-TTAGCAGTCTTATCTAACTATGATGCAAATAAAACCGGACTGAAGGAGCTGCCCATGAGA[A>T]ATTTACAGGGTGAGAGGCTGGGATGCCAAGGCTGGGGGTTCATAAATGCAGACAGCAGTT-3'
Protein context (NP_005219.2, residues 129-149): KTGLKELPMR[Asn139Tyr]LQEILHGAVR

ClinVar aggregate classification (germline): Uncertain significance. Review status: criteria provided, multiple submitters, no conflicts (2 of 4 stars). 2 submissions from 2 submitters: Uncertain significance (2). Last evaluated 2025-12-01.

Conditions:
Hereditary cancer-predisposing syndrome. Also called: Tumor predisposition; Hereditary neoplastic syndrome; Neoplastic Syndromes, Hereditary; Hereditary Cancer Syndrome. Identifiers: Orphanet 140162, MedGen C0027672, MeSH D009386, MONDO:0015356.
EGFR-related lung cancer (EGFR). Identifiers: MedGen CN130014.

Allele frequency attached by ClinVar (database versions not stated): gnomAD exomes below 0.00001.
gnomAD v4.1: 1 of 1,614,196 alleles (0.000062%); highest among the groups gnomAD compares: Non-Finnish European, 0.000085%; no homozygotes.

Submissions (2):

Labcorp Genetics (formerly Invitae), Labcorp
Classification: Uncertain significance for EGFR-related lung cancer. Last evaluated: 2025-12-01. Review status: criteria provided, single submitter. Criteria: Invitae Variant Classification Sherloc (09022015). Collection method: clinical testing. Allele origin: germline.
Comment: This sequence change replaces asparagine, which is neutral and polar, with tyrosine, which is neutral and polar, at codon 139 of the EGFR protein (p.Asn139Tyr). This variant is not present in population databases (gnomAD no frequency). This variant has not been reported in the literature in individuals affected with EGFR-related conditions. ClinVar contains an entry for this variant (Variation ID: 1987309). Invitae Evidence Modeling of protein sequence and biophysical properties (such as structural, functional, and spatial information, amino acid conservation, physicochemical variation, residue mobility, and thermodynamic stability) indicates that this missense variant is not expected to disrupt EGFR protein function with a negative predictive value of 80%. In summary, the available evidence is currently insufficient to determine the role of this variant in disease. Therefore, it has been classified as a Variant of Uncertain Significance.

Ambry Genetics
Classification: Uncertain significance for Hereditary cancer-predisposing syndrome. Last evaluated: 2025-08-08. Review status: criteria provided, single submitter. Criteria: Ambry Variant Classification Scheme 2023. Collection method: clinical testing. Allele origin: germline.
Comment: The p.N139Y variant (also known as c.415A>T), located in coding exon 3 of the EGFR gene, results from an A to T substitution at nucleotide position 415. The asparagine at codon 139 is replaced by tyrosine, an amino acid with dissimilar properties. This amino acid position is not well conserved in available vertebrate species. In addition, the in silico prediction for this alteration is inconclusive. Based on the available evidence, the clinical significance of this variant remains unclear.